The following is an entry in ClinVar:

NM_000222.3(KIT):c.1676_1681del (p.Val559_Val560del)

Gene: KIT (KIT proto-oncogene, receptor tyrosine kinase; plus strand). Cytogenetic location: 4q12.
Variant type: Deletion.
Coding change: c.1676_1681del on transcript NM_000222.3 (MANE Select); coding-DNA positions 1676 to 1681, 6 bases deleted (TTGTTG; older notation c.1676_1681delTTGTTG).
Protein change: p.Val559_Val560del.
Molecular consequence: inframe deletion.
Genome position (GRCh38, 1-based): chr4:54,727,444-54,727,449, TTGTTG deleted; deleting any 6 consecutive bases within chr4:54,727,443-54,727,449 gives the same sequence; the c. name uses the placement nearest the transcript's 3' end. VCF-style (leftmost placement, unchanged base first): chr4-54727442-GGTTGTT-G. GRCh37 (hg19) VCF-style: chr4-55593608-GGTTGTT-G.
Other names: c.1664_1669del, p.Val555_Val556del (NM_001093772.2, NM_001385286.1); c.1679_1684del, p.Val560_Val561del (NM_001385284.1, NM_001385290.1); c.1676_1681del, p.Val559_Val560del (NM_001385285.1); c.1667_1672del, p.Val556_Val557del (NM_001385288.1, NM_001385292.1).
Identifiers: ClinVar variation 13846 (VCV000013846.2), dbSNP rs121913685, ClinGen allele CA123504.
Genomic context (GRCh38, chr4:54,727,442, plus strand): 5'-AAAAGGTGATCTATTTTTCCCTTTCTCCCCACAGAAACCCATGTATGAAGTACAGTGGAA[GGTTGTT>G]GAGGAGATAAATGGAAACAATTATGTTTACATAGACCCAACACAACTTCCTTATGATCAC-3'

ClinVar aggregate classification (germline): Pathogenic (0 of 4 stars; one submission).
ClinVar aggregate classification (oncogenicity): Oncogenic (0 of 4 stars; one submission).

Conditions:
Gastrointestinal stromal tumor. Also called: Gastrointestinal stromal tumor, somatic; Gastrointestinal stroma tumor. Identifiers: Orphanet 44890, MedGen C0238198, MeSH D046152, MONDO:0011719, OMIM 606764, HP:0100723.

Submissions (2):

OMIM
Classification: Pathogenic for GASTROINTESTINAL STROMAL TUMOR, SOMATIC. Last evaluated: 1998-01-23. Review status: no assertion criteria provided. Collection method: literature only. Allele origin: somatic.

National Institute of Cancer Research, National Health Research Institutes
Classification: Oncogenic for Gastrointestinal stromal tumor. Review status: no assertion criteria provided. Collection method: research. Allele origin: somatic. Observed: 4 variant alleles.
Comment: the literature

Literature cited by the submitters: PubMed 9438854 (cited by OMIM).